The following is an entry in ClinVar:

ClinVar aggregate classification (germline): Uncertain significance. Review status: criteria provided, multiple submitters, no conflicts (2 of 4 stars). 2 submissions from 2 submitters: Uncertain significance (2). Last evaluated 2022-09-10.

Conditions:
Early-infantile DEE. Also called: Early infantile epileptic encephalopathy; Early infantile epileptic encephalopathy with suppression bursts; Ohtahara syndrome. Identifiers: Orphanet 1934, MedGen C0393706, MONDO:0800491.

Submissions (2):

Labcorp Genetics (formerly Invitae), Labcorp
Classification: Uncertain significance for Early-infantile DEE. Last evaluated: 2022-09-10. Review status: criteria provided, single submitter. Criteria: Invitae Variant Classification Sherloc (09022015). Collection method: clinical testing. Allele origin: germline.
Comment: In summary, the available evidence is currently insufficient to determine the role of this variant in disease. Therefore, it has been classified as a Variant of Uncertain Significance. Advanced modeling of protein sequence and biophysical properties (such as structural, functional, and spatial information, amino acid conservation, physicochemical variation, residue mobility, and thermodynamic stability) performed at Invitae indicates that this missense variant is expected to disrupt SCN8A protein function. ClinVar contains an entry for this variant (Variation ID: 995251). This variant has not been reported in the literature in individuals affected with SCN8A-related conditions. This variant is not present in population databases (gnomAD no frequency). This sequence change replaces arginine, which is basic and polar, with leucine, which is neutral and non-polar, at codon 1626 of the SCN8A protein (p.Arg1626Leu).

Athena Diagnostics
Classification: Uncertain significance. Last evaluated: 2019-11-21. Review status: criteria provided, single submitter. Criteria: Athena Diagnostics Criteria. Collection method: clinical testing. Allele origin: unknown.

NM_001330260.2(SCN8A):c.4877G>T (p.Arg1626Leu)

Gene: SCN8A (sodium voltage-gated channel alpha subunit 8; plus strand). Cytogenetic location: 12q13.13.
Variant type: single nucleotide variant.
Coding change: c.4877G>T on transcript NM_001330260.2 (MANE Select); coding-DNA position 4877, G replaced by T.
Protein change: p.Arg1626Leu; replaces arginine 1626 with leucine.
Molecular consequence: missense variant.
Genome position (GRCh38, 1-based): chr12:51,806,363, G>T. VCF-style: chr12-51806363-G-T. GRCh37 (hg19) VCF-style: chr12-52200147-G-T.
Other names: c.4754G>T, p.Arg1585Leu (NM_001177984.3, NM_001369788.1); c.4877G>T, p.Arg1626Leu (NM_014191.4); short protein forms R1585L, R1626L.
Identifiers: ClinVar variation 995251 (VCV000995251.5), dbSNP rs886044328, ClinGen allele CA384880425.